The following is an entry in ClinVar:

NM_016507.4(CDK12):c.316G>T (p.Asp106Tyr)

Genes: CDK12 (cyclin dependent kinase 12; plus strand), LOC126862553 (CDK7 strongly-dependent group 2 enhancer GRCh37_chr17:37618166-37619365; plus strand). Cytogenetic location: 17q12.
Variant type: single nucleotide variant.
Coding change: c.316G>T on transcript NM_016507.4 (MANE Select); coding-DNA position 316, G replaced by T.
Protein change: p.Asp106Tyr; replaces aspartic acid 106 with tyrosine.
Molecular consequence: missense variant.
Genome position (GRCh38, 1-based): chr17:39,462,387, G>T. VCF-style: chr17-39462387-G-T. GRCh37 (hg19) VCF-style: chr17-37618640-G-T.
Other names: c.316G>T, p.Asp106Tyr (NM_015083.4); short protein forms D106Y.
Identifiers: ClinVar variation 4868483 (VCV004868483.1).

ClinVar aggregate classification (germline): Uncertain significance (1 of 4 stars; one submission).

Submission:

Ambry Genetics
Classification: Uncertain significance. Last evaluated: 2026-04-11. Review status: criteria provided, single submitter. Criteria: Ambry Variant Classification Scheme 2023. Collection method: clinical testing. Allele origin: germline.
Comment: The p.D106Y variant (also known as c.316G>T), located in coding exon 1 of the CDK12 gene, results from a G to T substitution at nucleotide position 316. The aspartic acid at codon 106 is replaced by tyrosine, an amino acid with highly dissimilar properties. This amino acid position is conserved. In addition, this alteration is predicted to be tolerated by in silico analysis. Based on the available evidence, the clinical significance of this variant remains unclear.